The following is an entry in ClinVar:

NM_001256789.3(CACNA1F):c.2268C>T (p.Gly756=)

Gene: CACNA1F (calcium voltage-gated channel subunit alpha1 F; minus strand). Cytogenetic location: Xp11.23.
Variant type: single nucleotide variant.
Coding change: c.2268C>T on transcript NM_001256789.3 (MANE Select); coding-DNA position 2268, C replaced by T.
Protein change: p.Gly756=; no amino-acid change (glycine 756 retained).
Molecular consequence: synonymous variant.
Genome position (GRCh38, 1-based): chrX:49,222,542, G>A on the plus strand (C>T on the coding strand, the complement: CACNA1F is on the minus strand). VCF-style: chrX-49222542-G-A. GRCh37 (hg19) VCF-style: chrX-49079001-G-A.
Other names: c.2106C>T, p.Gly702= (NM_001256790.3); c.2301C>T, p.Gly767= (NM_005183.4).
Identifiers: ClinVar variation 4724164 (VCV004724164.1).

ClinVar aggregate classification (germline): Uncertain significance (1 of 4 stars; one submission).

Submission:

Labcorp Genetics (formerly Invitae), Labcorp
Classification: Uncertain significance. Last evaluated: 2025-07-27. Review status: criteria provided, single submitter. Criteria: Invitae Variant Classification Sherloc (09022015). Collection method: clinical testing. Allele origin: germline.
Comment: This sequence change affects codon 767 of the CACNA1F mRNA. It is a 'silent' change, meaning that it does not change the encoded amino acid sequence of the CACNA1F protein. This variant is not present in population databases (gnomAD no frequency). This variant has not been reported in the literature in individuals affected with CACNA1F-related conditions. Algorithms developed to predict the effect of sequence changes on RNA splicing suggest that this variant may disrupt the consensus splice site. In summary, the available evidence is currently insufficient to determine the role of this variant in disease. Therefore, it has been classified as a Variant of Uncertain Significance.